The following is an entry in ClinVar:

NM_001166108.2(PALLD):c.1965-12792C>T

Gene: PALLD (palladin, cytoskeletal associated protein; plus strand). Cytogenetic location: 4q32.3.
Variant type: single nucleotide variant.
Coding change: c.1965-12792C>T on transcript NM_001166108.2 (MANE Select); 12792 bases into the intron before coding-DNA position 1965, C replaced by T.
Molecular consequence: intron variant. On other transcripts: missense variant (1).
Genome position (GRCh38, 1-based): chr4:168,878,130, C>T. VCF-style: chr4-168878130-C-T. GRCh37 (hg19) VCF-style: chr4-169799281-C-T.
Other names: c.239C>T, p.Pro80Leu (NM_001166110.2); c.1965-12792C>T (NM_016081.4); c.819-12792C>T (NM_001166109.2); c.-157-12792C>T (NM_001367570.1, NM_001367568.1, NM_001367567.1 and 1 more transcripts); c.239C>T (NM_001166110.1); short protein forms P80L.
Identifiers: ClinVar variation 2726153 (VCV002726153.4), dbSNP rs1430600488, ClinGen allele CA358795722.

ClinVar aggregate classification (germline): Uncertain significance. Review status: criteria provided, multiple submitters, no conflicts (2 of 4 stars). 2 submissions from 2 submitters: Uncertain significance (2). Last evaluated 2025-01-01.

Conditions:
Pancreatic adenocarcinoma. Identifiers: MedGen C0281361, MONDO:0006047, HP:0006725.

gnomAD v4.1: 2 of 1,483,202 alleles (0.00013%); highest among the groups gnomAD compares: Non-Finnish European, 0.00018%; no homozygotes.

Submissions (2):

Ambry Genetics
Classification: Uncertain significance. Last evaluated: 2025-01-01. Review status: criteria provided, single submitter. Criteria: Ambry Variant Classification Scheme 2023. Collection method: clinical testing. Allele origin: germline.
Comment: The p.P80L variant (also known as c.239C>T), located in coding exon 1 of the PALLD gene, results from a C to T substitution at nucleotide position 239. The proline at codon 80 is replaced by leucine, an amino acid with similar properties. This amino acid position is conserved. In addition, this alteration is predicted to be tolerated by in silico analysis. Based on the available evidence, the clinical significance of this variant remains unclear.

Labcorp Genetics (formerly Invitae), Labcorp
Classification: Uncertain significance for Pancreatic adenocarcinoma. Last evaluated: 2022-12-15. Review status: criteria provided, single submitter. Criteria: Invitae Variant Classification Sherloc (09022015). Collection method: clinical testing. Allele origin: germline.
Comment: This sequence change replaces proline, which is neutral and non-polar, with leucine, which is neutral and non-polar, at codon 80 of the PALLD protein (p.Pro80Leu). This variant is not present in population databases (gnomAD no frequency). This variant has not been reported in the literature in individuals affected with PALLD-related conditions. Algorithms developed to predict the effect of missense changes on protein structure and function are either unavailable or do not agree on the potential impact of this missense change (SIFT: "Tolerated"; PolyPhen-2: "Possibly Damaging"; Align-GVGD: "Class C0"). In summary, the available evidence is currently insufficient to determine the role of this variant in disease. Therefore, it has been classified as a Variant of Uncertain Significance.